The following is an entry in ClinVar:

NM_032436.4(CHAMP1):c.1021C>G (p.Pro341Ala)

Gene: CHAMP1 (chromosome alignment maintaining phosphoprotein 1; plus strand). Cytogenetic location: 13q34.
Variant type: single nucleotide variant.
Coding change: c.1021C>G on transcript NM_032436.4 (MANE Select); coding-DNA position 1021, C replaced by G.
Protein change: p.Pro341Ala; replaces proline 341 with alanine.
Molecular consequence: missense variant.
Genome position (GRCh38, 1-based): chr13:114,324,863, C>G. VCF-style: chr13-114324863-C-G. GRCh37 (hg19) VCF-style: chr13-115090338-C-G.
Other names: c.1021C>G, p.Pro341Ala (NM_001164144.3, NM_001164145.3); short protein forms P341A.
Identifiers: ClinVar variation 4716327 (VCV004716327.1).

ClinVar aggregate classification (germline): Uncertain significance (1 of 4 stars; one submission).

Submission:

Labcorp Genetics (formerly Invitae), Labcorp
Classification: Uncertain significance. Last evaluated: 2025-03-30. Review status: criteria provided, single submitter. Criteria: Invitae Variant Classification Sherloc (09022015). Collection method: clinical testing. Allele origin: germline.
Comment: This sequence change replaces proline, which is neutral and non-polar, with alanine, which is neutral and non-polar, at codon 341 of the CHAMP1 protein (p.Pro341Ala). This variant is not present in population databases (gnomAD no frequency). This variant has not been reported in the literature in individuals affected with CHAMP1-related conditions. Experimental studies and prediction algorithms are not available or were not evaluated, and the functional significance of this variant is currently unknown. In summary, the available evidence is currently insufficient to determine the role of this variant in disease. Therefore, it has been classified as a Variant of Uncertain Significance.